The following is an entry in ClinVar:

NM_001112726.3(CEP170B):c.1239A>G (p.Thr413=)

Gene: CEP170B (centrosomal protein 170B; plus strand). Cytogenetic location: 14q32.33.
Variant type: single nucleotide variant.
Coding change: c.1239A>G on transcript NM_001112726.3 (MANE Select); coding-DNA position 1239, A replaced by G.
Protein change: p.Thr413=; no amino-acid change (threonine 413 retained).
Molecular consequence: synonymous variant.
Genome position (GRCh38, 1-based): chr14:104,884,018, A>G. VCF-style: chr14-104884018-A-G. GRCh37 (hg19) VCF-style: chr14-105350355-A-G.
Other names: c.1029A>G, p.Thr343= (NM_015005.3).
Identifiers: ClinVar variation 3058990 (VCV003058990.2), dbSNP rs2841236, ClinGen allele CA7375544.

ClinVar aggregate classification (germline): Benign (0 of 4 stars; one submission).

Conditions:
CEP170B-related disorder. Also called: CEP170B-related condition.

Allele frequency attached by ClinVar (database versions not stated): 1000 Genomes Project 30x 0.46721; 1000 Genomes Project 0.46945; TOPMed 0.56265; gnomAD 0.57921; ESP Exome Variant Server 0.60574; ExAC 0.61653; gnomAD exomes 0.67525.
gnomAD v4.1: 1,071,081 of 1,608,860 alleles (67%); highest among the groups gnomAD compares: Middle Eastern, 74%; 367,187 homozygotes.

Submission:

PreventionGenetics, part of Exact Sciences
Classification: Benign for CEP170B-related condition. Last evaluated: 2019-10-17. Review status: no assertion criteria provided. Collection method: clinical testing. Allele origin: germline.
Comment: This variant is classified as benign based on ACMG/AMP sequence variant interpretation guidelines (Richards et al. 2015 PMID: 25741868, with internal and published modifications).